The following is an entry in ClinVar:

NM_182746.3(MCM4):c.71-2A>G

Gene: MCM4 (minichromosome maintenance complex component 4; plus strand). Cytogenetic location: 8q11.21.
Variant type: single nucleotide variant.
Coding change: c.71-2A>G on transcript NM_182746.3 (MANE Select); the canonical splice acceptor site of the intron before coding-DNA position 71, A replaced by G.
Molecular consequence: splice acceptor variant.
Genome position (GRCh38, 1-based): chr8:47,961,514, A>G. VCF-style: chr8-47961514-A-G. GRCh37 (hg19) VCF-style: chr8-48874074-A-G.
Other names: IVS1AS, A-G, -2; c.71-2A>G (NM_005914.4).
Identifiers: ClinVar variation 37234 (VCV000037234.42), dbSNP rs1563829725, ClinGen allele CA371143599.

ClinVar aggregate classification (germline): Pathogenic. Review status: criteria provided, multiple submitters, no conflicts (2 of 4 stars). 4 submissions from 4 submitters: Pathogenic (3). 1 of the submissions does not count toward it. Last evaluated 2026-06-01.

Conditions:
Inborn errors of metabolism. Also called: Inborn error of metabolism. Identifiers: Orphanet 68367, MedGen C0025521, MONDO:0019052.
Primary immunodeficiency with natural-killer cell deficiency and adrenal insufficiency (IMD54). Also called: Natural killer cell and glucocorticoid deficiency with DNA repair defect; IMMUNODEFICIENCY 54. Identifiers: Orphanet 75391, MedGen C1864947, MONDO:0012383, OMIM 609981.

Allele frequency attached by ClinVar (database versions not stated): gnomAD exomes below 0.00001.

Submissions (4):

CeGaT Center for Human Genetics Tuebingen
Classification: Pathogenic. Last evaluated: 2026-06-01. Review status: criteria provided, single submitter. Criteria: CeGaT Center For Human Genetics Tuebingen Variant Classification Criteria Version 2. Collection method: clinical testing. Allele origin: germline. Affected: yes. Observed: 12 variant alleles.
Comment: MCM4: PVS1, PP1:Strong, PM2, PM3

North West Genomic Laboratory Hub, Manchester University NHS Foundation Trust
Classification: Pathogenic for Inborn error of metabolism. Last evaluated: 2025-04-22. Review status: criteria provided, single submitter. Criteria: ACGS Best Practice Guidelines for Variant Classification in Rare Disease 2024. Collection method: clinical testing. Allele origin: germline. Affected: yes.
Comment: PM2_Mod PP1_Str PVS1_Str

Labcorp Genetics (formerly Invitae), Labcorp
Classification: Pathogenic. Last evaluated: 2021-08-27. Review status: criteria provided, single submitter. Criteria: Invitae Variant Classification Sherloc (09022015). Collection method: clinical testing. Allele origin: germline.
Comment: ClinVar contains an entry for this variant (Variation ID: 37234). For these reasons, this variant has been classified as Pathogenic. Studies have shown that this variant is associated with altered splicing, but the impact on the resulting protein product is unknown (PMID: 22354167, 22354170). This variant is also known as c.71-1insG. Disruption of this splice site has been observed in individual(s) with familial glucocorticoid deficiency (PMID: 22354167, 22354170, 22499342). It has also been observed to segregate with disease in related individuals. This variant is not present in population databases (ExAC no frequency). This sequence change affects an acceptor splice site in intron 1 of the MCM4 gene. It is expected to disrupt RNA splicing. Variants that disrupt the donor or acceptor splice site typically lead to a loss of protein function (PMID: 16199547), however the current clinical and genetic evidence is not sufficient to establish whether loss-of-function variants in MCM4 cause disease.

OMIM
Classification: Pathogenic for IMMUNODEFICIENCY 54. Last evaluated: 2012-04-01. Review status: no assertion criteria provided. Collection method: literature only. Allele origin: germline. Not counted in ClinVar's aggregate classification.

Literature cited by the submitters: PubMed 22354167 (cited by Labcorp Genetics (formerly Invitae), Labcorp and OMIM); PubMed 22354170 (cited by Labcorp Genetics (formerly Invitae), Labcorp and OMIM); PubMed 22499342 (cited by Labcorp Genetics (formerly Invitae), Labcorp and OMIM); PubMed 16199547 (cited by Labcorp Genetics (formerly Invitae), Labcorp); PubMed 16532402 (cited by OMIM).